The following is an entry in ClinVar:

ClinVar aggregate classification (germline): Uncertain significance. Review status: criteria provided, multiple submitters, no conflicts (2 of 4 stars). 4 submissions from 4 submitters: Uncertain significance (4). Last evaluated 2025-05-03.

Conditions:
SLC10A1-related disorder. Also called: SLC10A1-related condition.
Hypercholanemia, familial, 2. Also called: NTCP deficiency. Identifiers: MedGen C5543243, MONDO:0031003, OMIM 619256. Disease mechanism: loss of function.

Allele frequency attached by ClinVar (database versions not stated): ExAC 0.00001; gnomAD exomes 0.00001; TOPMed 0.00002; gnomAD 0.00003; 1000 Genomes Project 30x 0.00016; 1000 Genomes Project 0.00020.
gnomAD v4.1: 19 of 1,614,082 alleles (0.0012%); highest among the groups gnomAD compares: Non-Finnish European, 0.0014%; no homozygotes.

Submissions (4):

Ambry Genetics
Classification: Uncertain significance. Last evaluated: 2025-05-03. Review status: criteria provided, single submitter. Criteria: Ambry Variant Classification Scheme 2023. Collection method: clinical testing. Allele origin: germline.

PreventionGenetics, part of Exact Sciences
Classification: Uncertain significance for SLC10A1-related condition. Last evaluated: 2025-03-19. Review status: criteria provided, single submitter. Criteria: ACMG Guidelines, 2015. Collection method: clinical testing. Allele origin: germline.
Comment: The SLC10A1 c.559G>C variant is predicted to result in the amino acid substitution p.Val187Leu. To our knowledge, this variant has not been reported in the literature. This variant is reported in 0.0018% of alleles in individuals of European (Non-Finnish) descent in gnomAD. At this time, the clinical significance of this variant is uncertain due to the absence of conclusive functional and genetic evidence.

Fulgent Genetics
Classification: Uncertain significance for Hypercholanemia, familial, 2. Last evaluated: 2022-02-24. Review status: criteria provided, single submitter. Criteria: ACMG Guidelines, 2015. Collection method: clinical testing. Allele origin: unknown.

Eurofins Ntd Llc (ga)
Classification: Uncertain significance. Last evaluated: 2017-09-12. Review status: criteria provided, single submitter. Criteria: EGL Classification Definitions 2015. Collection method: clinical testing. Allele origin: germline. Observed: 1 variant allele, 1 heterozygote.

NM_003049.4(SLC10A1):c.559G>C (p.Val187Leu)

Gene: SLC10A1 (solute carrier family 10 member 1; minus strand). Cytogenetic location: 14q24.1.
Variant type: single nucleotide variant.
Coding change: c.559G>C on transcript NM_003049.4 (MANE Select); coding-DNA position 559, G replaced by C.
Protein change: p.Val187Leu; replaces valine 187 with leucine.
Molecular consequence: missense variant.
Genome position (GRCh38, 1-based): chr14:69,786,105, C>G on the plus strand (G>C on the coding strand, the complement: SLC10A1 is on the minus strand). VCF-style: chr14-69786105-C-G. GRCh37 (hg19) VCF-style: chr14-70252822-C-G.
Other names: c.559G>C (NM_003049.3); short protein forms V187L.
Identifiers: ClinVar variation 594061 (VCV000594061.10), dbSNP rs199771927, ClinGen allele CA7246126.